The following is an entry in ClinVar:

NM_006509.4(RELB):c.753C>T (p.Asn251=)

Gene: RELB (RELB proto-oncogene, NF-kB subunit; plus strand). Cytogenetic location: 19q13.32.
Variant type: single nucleotide variant.
Coding change: c.753C>T on transcript NM_006509.4 (MANE Select); coding-DNA position 753, C replaced by T.
Protein change: p.Asn251=; no amino-acid change (asparagine 251 retained).
Molecular consequence: synonymous variant.
Genome position (GRCh38, 1-based): chr19:45,025,419, C>T. VCF-style: chr19-45025419-C-T. GRCh37 (hg19) VCF-style: chr19-45528677-C-T.
Identifiers: ClinVar variation 1419238 (VCV001419238.6), dbSNP rs200428581, ClinGen allele CA9507637.

ClinVar aggregate classification (germline): Uncertain significance (1 of 4 stars; one submission).

Allele frequency attached by ClinVar (database versions not stated): gnomAD exomes 0.00002 and 0.00003; ExAC 0.00004; gnomAD 0.00004; TOPMed 0.00006; 1000 Genomes Project 30x 0.00016; 1000 Genomes Project 0.00020.
gnomAD v4.1: 29 of 1,610,202 alleles (0.0018%); highest among the groups gnomAD compares: African/African-American, 0.0067%; no homozygotes.

Submission:

Labcorp Genetics (formerly Invitae), Labcorp
Classification: Uncertain significance. Last evaluated: 2026-01-26. Review status: criteria provided, single submitter. Criteria: Invitae Variant Classification Sherloc (09022015). Collection method: clinical testing. Allele origin: germline.
Comment: This sequence change affects codon 251 of the RELB mRNA. It is a 'silent' change, meaning that it does not change the encoded amino acid sequence of the RELB protein. It affects a nucleotide within the consensus splice site. This variant is present in population databases (rs200428581, gnomAD 0.01%). This variant has not been reported in the literature in individuals affected with RELB-related conditions. ClinVar contains an entry for this variant (Variation ID: 1419238). Algorithms developed to predict the effect of sequence changes on RNA splicing suggest that this variant is not likely to affect RNA splicing. In summary, the available evidence is currently insufficient to determine the role of this variant in disease. Therefore, it has been classified as a Variant of Uncertain Significance.